The following is an entry in ClinVar:

ClinVar aggregate classification (germline): Benign. Review status: criteria provided, multiple submitters, no conflicts (2 of 4 stars). 3 submissions from 2 submitters: Benign (3). Last evaluated 2018-01-12.

Conditions:
Torsion dystonia 4. Also called: DYT-TUBB4A (Autosomal Dominant Torsion Dystonia); DYSTONIA MUSCULORUM DEFORMANS 4. Identifiers: Orphanet 98805, MedGen C1851943, MONDO:0007493, OMIM 128101.
Leukodystrophy, hypomyelinating, 6. Also called: LEUKODYSTROPHY, HYPOMYELINATING, WITH ATROPHY OF THE BASAL GANGLIA AND CEREBELLUM; TUBB4A-Associated Leukodystrophy; Hypomyelination with Atrophy of Basal Ganglia and Cerebellum (H-ABC). Identifiers: Orphanet 139441, MedGen C2676244, MONDO:0012905, OMIM 612438.

Allele frequency attached by ClinVar (database versions not stated): gnomAD 0.00027 and 0.00110; TOPMed 0.00037; 1000 Genomes Project 30x 0.00500; 1000 Genomes Project 0.00579.

Submissions (3):

Illumina Laboratory Services, Illumina
Classification: Benign for Leukodystrophy, hypomyelinating, 6. Last evaluated: 2018-01-12. Review status: criteria provided, single submitter. Criteria: ICSL Variant Classification Criteria 13 December 2019. Collection method: clinical testing. Allele origin: germline.
Comment: This variant was observed in the ICSL laboratory as part of a predisposition screen in an ostensibly healthy population. It had not been previously curated by ICSL or reported in the Human Gene Mutation Database (HGMD: prior to June 1st, 2018), and was therefore a candidate for classification through an automated scoring system. Utilizing variant allele frequency, disease prevalence and penetrance estimates, and inheritance mode, an automated score was calculated to assess if this variant is too frequent to cause the disease. Based on the score and internal cut-off values, a variant classified as benign is not then subjected to further curation. The score for this variant resulted in a classification of benign for this disease.

Illumina Laboratory Services, Illumina
Classification: Benign for Torsion dystonia 4. Last evaluated: 2018-01-12. Review status: criteria provided, single submitter. Criteria: ICSL Variant Classification Criteria 13 December 2019. Collection method: clinical testing. Allele origin: germline.
Comment: the same text as in the submission from Illumina Laboratory Services, Illumina above.

Breakthrough Genomics
Classification: Benign. Review status: criteria provided, single submitter. Criteria: ACMG Guidelines, 2015. Collection method: not provided. Allele origin: germline. Inheritance: Autosomal dominant inheritance. Affected: yes.

NM_006087.4(TUBB4A):c.*725G>A

Gene: TUBB4A (tubulin beta 4A class IVa; minus strand). Cytogenetic location: 19p13.3.
Variant type: single nucleotide variant.
Coding change: c.*725G>A on transcript NM_006087.4 (MANE Select); 725 bases downstream of the stop codon, G replaced by A.
Molecular consequence: 3 prime UTR variant.
Genome position (GRCh38, 1-based): chr19:6,494,439, C>T on the plus strand (G>A on the coding strand, the complement: TUBB4A is on the minus strand). VCF-style: chr19-6494439-C-T. GRCh37 (hg19) VCF-style: chr19-6494450-C-T.
Other names: c.*725G>A (NM_001289123.2, NM_001289127.2, NM_001289129.2 and 2 more transcripts).
Identifiers: ClinVar variation 330248 (VCV000330248.6), dbSNP rs370034465, ClinGen allele CA10652265.